The following is an entry in ClinVar:

ClinVar aggregate classification (germline): Uncertain significance (1 of 4 stars; one submission).

Conditions:
Von Hippel-Lindau syndrome (VHLS). Also called: Von Hippel-Lindau; VHL syndrome; von Hippel–Lindau syndrome. Identifiers: Orphanet 892, MedGen C0019562, MONDO:0008667, OMIM 193300. Disease mechanism: loss of function.
Chuvash polycythemia. Also called: POLYCYTHEMIA, VHL-DEPENDENT. Identifiers: Orphanet 238557, MedGen C1837915, MONDO:0009892, OMIM 263400.

Submission:

Labcorp Genetics (formerly Invitae), Labcorp
Classification: Uncertain significance for Von Hippel-Lindau syndrome; Chuvash polycythemia. Last evaluated: 2024-12-17. Review status: criteria provided, single submitter. Criteria: Invitae Variant Classification Sherloc (09022015). Collection method: clinical testing. Allele origin: germline.
Comment: This sequence change falls in intron 1 of the VHL gene. It is not expected to change the encoded amino acid sequence of the VHL protein. However, this sequence change falls within a cryptic exon in the VHL gene, known as exon E1’, which is naturally expressed at low levels in several human tissues (PMID: 29891534). This variant is not present in population databases (gnomAD no frequency). This variant has not been reported in the literature in individuals affected with VHL-related conditions. ClinVar contains an entry for this variant (Variation ID: 1350787). Algorithms developed to predict the effect of sequence changes on RNA splicing suggest that this variant is not likely to affect RNA splicing. In summary, the available evidence is currently insufficient to determine the role of this variant in disease. Therefore, it has been classified as a Variant of Uncertain Significance.

Literature cited by the submitters: PubMed 29891534.

NM_000551.4(VHL):c.340+657C>G

Genes: VHL (von Hippel-Lindau tumor suppressor; plus strand), LOC107303340 (3p25 von Hippel-Lindau tumor suppressor, E3 ubiquitin protein ligase Alu-mediated recombination region; plus strand). Cytogenetic location: 3p25.3.
Variant type: single nucleotide variant.
Coding change: c.340+657C>G on transcript NM_000551.4 (MANE Select); 657 bases into the intron after coding-DNA position 340, C replaced by G.
Molecular consequence: intron variant. On other transcripts: missense variant (1).
Genome position (GRCh38, 1-based): chr3:10,142,844, C>G. VCF-style: chr3-10142844-C-G. GRCh37 (hg19) VCF-style: chr3-10184528-C-G.
Other names: c.422C>G, p.Ala141Gly (NM_001354723.2); c.340+657C>G (NM_198156.3); short protein forms A141G.
Identifiers: ClinVar variation 1350787 (VCV001350787.8), dbSNP rs987014948, ClinGen allele CA2573136107.